The following is an entry in ClinVar:

ClinVar aggregate classification (germline): Benign/Likely benign. Review status: criteria provided, multiple submitters, no conflicts (2 of 4 stars). 3 submissions from 3 submitters: Benign (2); Likely benign (1). Last evaluated 2026-02-01.

Conditions:
Nephronophthisis-like nephropathy 1 (NPHPL1). Identifiers: Orphanet 655, MedGen C3150419, MONDO:0013163, OMIM 613159.

Allele frequency attached by ClinVar (database versions not stated): ESP Exome Variant Server 0.00008; gnomAD exomes 0.00065 and 0.00236; gnomAD 0.00066 and 0.00094; TOPMed 0.00134; ExAC 0.00229; 1000 Genomes Project 30x 0.00437; 1000 Genomes Project 0.00479.
gnomAD v4.1: 1,121 of 1,613,258 alleles (0.069%); highest among the groups gnomAD compares: East Asian, 2%; 17 homozygotes.

Submissions (3):

Labcorp Genetics (formerly Invitae), Labcorp
Classification: Benign for Nephronophthisis-like nephropathy 1. Last evaluated: 2026-02-01. Review status: criteria provided, single submitter. Criteria: Invitae Variant Classification Sherloc (09022015). Collection method: clinical testing. Allele origin: germline.

Fulgent Genetics
Classification: Likely benign for Nephronophthisis-like nephropathy 1. Last evaluated: 2021-07-30. Review status: criteria provided, single submitter. Criteria: ACMG Guidelines, 2015. Collection method: clinical testing. Allele origin: unknown.

Illumina Laboratory Services, Illumina
Classification: Benign for Nephronophthisis-like nephropathy 1. Last evaluated: 2018-01-12. Review status: criteria provided, single submitter. Criteria: ICSL Variant Classification Criteria 13 December 2019. Collection method: clinical testing. Allele origin: germline.
Comment: This variant was observed in the ICSL laboratory as part of a predisposition screen in an ostensibly healthy population. It had not been previously curated by ICSL or reported in the Human Gene Mutation Database (HGMD: prior to June 1st, 2018), and was therefore a candidate for classification through an automated scoring system. Utilizing variant allele frequency, disease prevalence and penetrance estimates, and inheritance mode, an automated score was calculated to assess if this variant is too frequent to cause the disease. Based on the score and internal cut-off values, a variant classified as benign is not then subjected to further curation. The score for this variant resulted in a classification of benign for this disease.

NM_022098.4(XPNPEP3):c.970-9T>C

Gene: XPNPEP3 (X-prolyl aminopeptidase 3; plus strand). Cytogenetic location: 22q13.2.
Variant type: single nucleotide variant.
Coding change: c.970-9T>C on transcript NM_022098.4 (MANE Select); 9 bases into the intron before coding-DNA position 970, T replaced by C.
Molecular consequence: intron variant.
Genome position (GRCh38, 1-based): chr22:40,914,230, T>C. VCF-style: chr22-40914230-T-C. GRCh37 (hg19) VCF-style: chr22-41310234-T-C.
Identifiers: ClinVar variation 341669 (VCV000341669.15), dbSNP rs117568682, ClinGen allele CA10251831.
Genomic context (GRCh38, chr22:40,914,230, plus strand): 5'-ACTTTGGATTACTAGAAACAACTTATAATCATGAGCTTATCCACTTTAACCTGTCTTACT[T>C]TGTTCCAGGATGGGGAAATGGTGCTTCTGGATGGAGGTTGTGAGTCTTCCTGCTATGTGA-3'